The following is an entry in ClinVar:

ClinVar aggregate classification (germline): Likely pathogenic (1 of 4 stars; one submission).

Conditions:
Dilated cardiomyopathy 1G (CMD1G). Identifiers: Orphanet 154, MedGen C1858763, MONDO:0011400, OMIM 604145.
Autosomal recessive limb-girdle muscular dystrophy type 2J (LGMDR10). Also called: Limb-girdle muscular dystrophy, type 2J; MUSCULAR DYSTROPHY, LIMB-GIRDLE, AUTOSOMAL RECESSIVE 10. Identifiers: Orphanet 140922, MedGen C1837342, MONDO:0012127, OMIM 608807.

Submission:

Labcorp Genetics (formerly Invitae), Labcorp
Classification: Likely pathogenic for Dilated cardiomyopathy 1G; Autosomal recessive limb-girdle muscular dystrophy type 2J. Last evaluated: 2025-11-25. Review status: criteria provided, single submitter. Criteria: Invitae Variant Classification Sherloc (09022015). Collection method: clinical testing. Allele origin: germline.
Comment: This sequence change creates a premature translational stop signal (p.Gln23205*) in the TTN gene. While this is not anticipated to result in nonsense mediated decay, it is expected to create a truncated TTN protein. This variant is not present in population databases (gnomAD no frequency). This variant has not been reported in the literature in individuals affected with TTN-related conditions. ClinVar contains an entry for this variant (Variation ID: 2949543). Algorithms developed to predict the effect of sequence changes on RNA splicing suggest that this variant may disrupt the consensus splice site. This variant is located in the A band of TTN (PMID: 25589632). Truncating variants in this region are significantly overrepresented in patients affected with dilated cardiomyopathy (PMID: 25589632). Truncating variants in this region have also been reported in individuals affected with autosomal recessive centronuclear myopathy (PMID: 23975875). In summary, the currently available evidence indicates that the variant is pathogenic, but additional data are needed to prove that conclusively. Therefore, this variant has been classified as Likely Pathogenic.

Literature cited by the submitters: PubMed 25589632; PubMed 23975875.

NM_001267550.2(TTN):c.69613C>T (p.Gln23205Ter)

Genes: TTN (titin; minus strand), TTN-AS1 (TTN antisense RNA 1; plus strand), LOC126806422 (BRD4-independent group 4 enhancer GRCh37_chr2:179440205-179441404; plus strand). Cytogenetic location: 2q31.2.
Variant type: single nucleotide variant.
Coding change: c.69613C>T on transcript NM_001267550.2 (MANE Select); coding-DNA position 69613, C replaced by T.
Protein change: p.Gln23205Ter; replaces glutamine 23205 with a stop codon.
Molecular consequence: nonsense.
Genome position (GRCh38, 1-based): chr2:178,576,631, G>A on the plus strand (C>T on the coding strand, the complement: TTN is on the minus strand). VCF-style: chr2-178576631-G-A. GRCh37 (hg19) VCF-style: chr2-179441358-G-A.
Other names: c.64690C>T, p.Gln21564Ter (NM_001256850.1); c.42418C>T, p.Gln14140Ter (NM_003319.4); c.61909C>T, p.Gln20637Ter (NM_133378.4); c.42793C>T, p.Gln14265Ter (NM_133432.3); c.42994C>T, p.Gln14332Ter (NM_133437.4); short protein forms Q14140*, Q20637*, Q23205*, Q14265*, Q14332*, Q21564*.
Identifiers: ClinVar variation 2949543 (VCV002949543.3), dbSNP rs2468739970, ClinGen allele CA349667324.